The following is an entry in ClinVar:

NM_213607.3(DNAAF19):c.710A>G (p.Glu237Gly)

Gene: DNAAF19 (dynein axonemal assembly factor 19; plus strand). Cytogenetic location: 17q21.31.
Variant type: single nucleotide variant.
Coding change: c.710A>G on transcript NM_213607.3 (MANE Select); coding-DNA position 710, A replaced by G.
Protein change: p.Glu237Gly; replaces glutamic acid 237 with glycine.
Molecular consequence: missense variant. On other transcripts: 3 prime UTR variant (3).
Genome position (GRCh38, 1-based): chr17:44,902,798, A>G. VCF-style: chr17-44902798-A-G. GRCh37 (hg19) VCF-style: chr17-42980166-A-G.
Other names: c.710A>G, p.Glu237Gly (NM_001258395.2, NM_001258396.2); c.*460A>G (NM_001258397.3); c.*399A>G (NM_001258398.3, NM_001258399.2); short protein forms E237G.
Identifiers: ClinVar variation 455030 (VCV000455030.8), dbSNP rs759937836, ClinGen allele CA291017025.
Genomic context (GRCh38, chr17:44,902,798, plus strand): 5'-GTCTGGAGGAGCAGTCTGGTGGGCTCCAGGAGGAGGAGAGGCTCCTGCAGGAGCTGCTGG[A>G]GCTGTACCAGGTTGACTGATGCGGCAAGCTACCCTCAGAGGTCCCAGTGGTCACTGGAGG-3'
Protein context (NP_998772.1, residues 227-242): EEERLLQELL[Glu237Gly]LYQVD

ClinVar aggregate classification (germline): Uncertain significance. Review status: criteria provided, multiple submitters, no conflicts (2 of 4 stars). 2 submissions from 2 submitters: Uncertain significance (2). Last evaluated 2021-08-27.

Conditions:
Primary ciliary dyskinesia. Also called: Ciliary dyskinesia. Identifiers: Orphanet 244, MedGen C0008780, MONDO:0016575, HP:0012265.

Allele frequency attached by ClinVar (database versions not stated): gnomAD exomes 0.00002; gnomAD 0.00003 and 0.00004; TOPMed 0.00003.
gnomAD v4.1: 27 of 1,562,554 alleles (0.0017%); highest among the groups gnomAD compares: African/African-American, 0.0027%; no homozygotes.

Submissions (2):

Labcorp Genetics (formerly Invitae), Labcorp
Classification: Uncertain significance for Primary ciliary dyskinesia. Last evaluated: 2021-08-27. Review status: criteria provided, single submitter. Criteria: Invitae Variant Classification Sherloc (09022015). Collection method: clinical testing. Allele origin: germline.
Comment: This sequence change replaces glutamic acid with glycine at codon 237 of the CCDC103 protein (p.Glu237Gly). The glutamic acid residue is weakly conserved and there is a moderate physicochemical difference between glutamic acid and glycine. This variant is not present in population databases (ExAC no frequency). This variant has not been reported in the literature in individuals affected with CCDC103-related conditions. ClinVar contains an entry for this variant (Variation ID: 455030). Algorithms developed to predict the effect of missense changes on protein structure and function output the following: SIFT: "Tolerated"; PolyPhen-2: "Not Available"; Align-GVGD: "Class C0". The glycine amino acid residue is found in multiple mammalian species, which suggests that this missense change does not adversely affect protein function. In summary, the available evidence is currently insufficient to determine the role of this variant in disease. Therefore, it has been classified as a Variant of Uncertain Significance.

UNC Molecular Genetics  Laboratory, University of North Carolina at Chapel Hill
Classification: Uncertain significance for Primary ciliary dyskinesia. Last evaluated: 2018-11-08. Review status: criteria provided, single submitter. Criteria: ACMG Guidelines, 2015. Collection method: clinical testing. Allele origin: germline. Affected: yes. Observed: 1 heterozygote.